The following is an entry in ClinVar:

ClinVar aggregate classification (germline): Likely benign. Review status: criteria provided, multiple submitters, no conflicts (2 of 4 stars). 7 submissions from 7 submitters: Likely benign (5). 2 of the submissions do not count toward it. Last evaluated 2026-01-24.

Conditions:
Age related macular degeneration 1 (ARMD1). Also called: MACULOPATHY, AGE-RELATED, 1. Identifiers: MedGen C1864205, MONDO:0011285, OMIM 603075.

Allele frequency attached by ClinVar (database versions not stated): 1000 Genomes Project 30x 0.00047; 1000 Genomes Project 0.00060; gnomAD exomes 0.00224; gnomAD 0.00227 and 0.00239; ExAC 0.00233; TOPMed 0.00243; ESP Exome Variant Server 0.00300.
gnomAD v4.1: 5,824 of 1,613,876 alleles (0.36%); highest among the groups gnomAD compares: Non-Finnish European, 0.45%; 15 homozygotes.

Submissions (7):

Labcorp Genetics (formerly Invitae), Labcorp
Classification: Likely benign. Last evaluated: 2026-01-24. Review status: criteria provided, single submitter. Criteria: Invitae Variant Classification Sherloc (09022015). Collection method: clinical testing. Allele origin: germline.

Blueprint Genetics
Classification: Likely benign. Last evaluated: 2024-11-11. Review status: criteria provided, single submitter. Criteria: ACMG Guidelines, 2015. Collection method: clinical testing. Allele origin: germline.

Genome-Nilou Lab
Classification: Likely benign for Age related macular degeneration 1. Last evaluated: 2023-04-11. Review status: criteria provided, single submitter. Criteria: ACMG Guidelines, 2015. Collection method: clinical testing. Allele origin: germline. Affected: no.

Illumina Laboratory Services, Illumina
Classification: Likely benign for Age related macular degeneration 1. Last evaluated: 2018-01-13. Review status: criteria provided, single submitter. Criteria: ICSL Variant Classification Criteria 13 December 2019. Collection method: clinical testing. Allele origin: germline.
Comment: This variant was observed in the ICSL laboratory as part of a predisposition screen in an ostensibly healthy population. It had not been previously curated by ICSL or reported in the Human Gene Mutation Database (HGMD: prior to June 1st, 2018), and was therefore a candidate for classification through an automated scoring system. Utilizing variant allele frequency, disease prevalence and penetrance estimates, and inheritance mode, an automated score was calculated to assess if this variant is too frequent to cause the disease. Based on the score and internal cut-off values, a variant classified as likely benign is not then subjected to further curation. The score for this variant resulted in a classification of likely benign for this disease.

Breakthrough Genomics
Classification: Likely benign. Review status: criteria provided, single submitter. Criteria: ACMG Guidelines, 2015. Collection method: not provided. Allele origin: germline. Inheritance: Autosomal dominant inheritance. Affected: yes.

Clinical Genetics DNA and cytogenetics Diagnostics Lab, Erasmus MC, Erasmus Medical Center
Classification: Likely benign. Review status: no assertion criteria provided. Collection method: clinical testing. Allele origin: germline. Affected: yes. Study: VKGL Data-share Consensus. Not counted in ClinVar's aggregate classification.

Clinical Genetics, Academic Medical Center
Classification: Likely benign. Review status: no assertion criteria provided. Collection method: clinical testing. Allele origin: germline. Affected: yes. Study: VKGL Data-share Consensus. Not counted in ClinVar's aggregate classification.

NM_031935.3(HMCN1):c.10697G>A (p.Gly3566Asp)

Gene: HMCN1 (hemicentin 1; plus strand). Cytogenetic location: 1q31.1.
Variant type: single nucleotide variant.
Coding change: c.10697G>A on transcript NM_031935.3 (MANE Select); coding-DNA position 10697, G replaced by A.
Protein change: p.Gly3566Asp; replaces glycine 3566 with aspartic acid.
Molecular consequence: missense variant.
Genome position (GRCh38, 1-based): chr1:186,103,595, G>A. VCF-style: chr1-186103595-G-A. GRCh37 (hg19) VCF-style: chr1-186072727-G-A.
Other names: short protein forms G3566D.
Identifiers: ClinVar variation 875754 (VCV000875754.17), dbSNP rs41317483, ClinGen allele CA1293788.